The following is an entry in ClinVar:

ClinVar aggregate classification (germline): Conflicting classifications of pathogenicity. Review status: criteria provided, conflicting classifications (1 of 4 stars). 6 submissions from 6 submitters: Likely pathogenic (1); Uncertain significance (3). 2 of the submissions do not count toward it. Last evaluated 2024-05-29.

Conditions:
Usher syndrome type 1 (USH1). Also called: RETINITIS PIGMENTOSA AND CONGENITAL DEAFNESS. Identifiers: Orphanet 231169, Orphanet 886, MedGen C1568247, MONDO:0010168, OMIM 276900.
Autosomal recessive nonsyndromic hearing loss 2. Also called: NEUROSENSORY NONSYNDROMIC RECESSIVE DEAFNESS 2; DEAFNESS, AUTOSOMAL RECESSIVE 2. Identifiers: Orphanet 90636, MedGen C1838701, MONDO:0010807, OMIM 600060.
MYO7A-related disorder. Also called: MYO7A-related disorders.
Usher syndrome type 1B (USH1B). Also called: Usher syndrome type IB. Identifiers: MedGen C1848638, MONDO:0700087.

Allele frequency attached by ClinVar (database versions not stated): gnomAD exomes below 0.00001 and 0.00001; TOPMed below 0.00001.
gnomAD v4.1: 8 of 1,610,296 alleles (0.0005%); highest among the groups gnomAD compares: Non-Finnish European, 0.000085%; no homozygotes.

Submissions (6):

Women's Health and Genetics/Laboratory Corporation of America, LabCorp
Classification: Uncertain significance. Last evaluated: 2024-05-29. Review status: criteria provided, single submitter. Criteria: LabCorp Variant Classification Summary - May 2015. Collection method: clinical testing. Allele origin: germline.
Comment: Variant summary: MYO7A c.29T>C (p.Val10Ala) results in a non-conservative amino acid change in the encoded protein sequence. Five of five in-silico tools predict a damaging effect of the variant on protein function. The variant allele was found at a frequency of 1.2e-05 in 242638 control chromosomes. The available data on variant occurrences in the general population are insufficient to allow any conclusion about variant significance. c.29T>C has been reported in the literature in the compound heterozygous state in at least 1 individual affected with autosomal recessive nonsyndromic deafness who carried a pathogenic variant (for recessive disease) in trans (example, Brownstein_2014). These data do not allow any conclusion about variant significance. To our knowledge, no experimental evidence demonstrating an impact on protein function has been reported. The following publication has been ascertained in the context of this evaluation (PMID: 24105371). ClinVar contains an entry for this variant (Variation ID: 242393). Based on the evidence outlined above, the variant was classified as uncertain significance.

GeneDx
Classification: Uncertain significance. Last evaluated: 2022-05-13. Review status: criteria provided, single submitter. Criteria: GeneDx Variant Classification Process June 2021. Collection method: clinical testing. Allele origin: germline. Affected: yes.
Comment: In silico analysis supports that this missense variant has a deleterious effect on protein structure/function; This variant is associated with the following publications: (PMID: 33671976, 24105371)

Labcorp Genetics (formerly Invitae), Labcorp
Classification: Uncertain significance. Last evaluated: 2021-12-24. Review status: criteria provided, single submitter. Criteria: Invitae Variant Classification Sherloc (09022015). Collection method: clinical testing. Allele origin: germline.
Comment: This sequence change replaces valine, which is neutral and non-polar, with alanine, which is neutral and non-polar, at codon 10 of the MYO7A protein (p.Val10Ala). This variant is present in population databases (no rsID available, gnomAD 0.02%). This missense change has been observed in individual(s) with clinical features of non-syndromic hearing loss (PMID: 24105371). ClinVar contains an entry for this variant (Variation ID: 242393). Algorithms developed to predict the effect of missense changes on protein structure and function are either unavailable or do not agree on the potential impact of this missense change (SIFT: "Deleterious"; PolyPhen-2: "Probably Damaging"; Align-GVGD: "Class C0"). In summary, the available evidence is currently insufficient to determine the role of this variant in disease. Therefore, it has been classified as a Variant of Uncertain Significance.

Blueprint Genetics
Classification: Likely pathogenic for MYO7A-related disorders. Last evaluated: 2019-12-09. Review status: criteria provided, single submitter. Criteria: ACMG Guidelines, 2015. Collection method: clinical testing. Allele origin: germline. Affected: yes. Observed: 1 variant allele.

Natera, Inc.
Classification: Uncertain significance for Usher syndrome type 1B. Last evaluated: 2020-03-05. Review status: no assertion criteria provided. Collection method: clinical testing. Allele origin: germline. Not counted in ClinVar's aggregate classification.

Counsyl
Classification: Uncertain significance for Usher syndrome type 1; Autosomal recessive nonsyndromic hearing loss 2. Last evaluated: 2017-05-26. Review status: no assertion criteria provided. Collection method: clinical testing. Allele origin: unknown. Not counted in ClinVar's aggregate classification.

Literature cited by the submitters: PubMed 24105371 (cited by 3 submitters).

NM_000260.4(MYO7A):c.29T>C (p.Val10Ala)

Gene: MYO7A (myosin VIIA; plus strand). Cytogenetic location: 11q13.5.
Variant type: single nucleotide variant.
Coding change: c.29T>C on transcript NM_000260.4 (MANE Select); coding-DNA position 29, T replaced by C.
Protein change: p.Val10Ala; replaces valine 10 with alanine.
Molecular consequence: missense variant. On other transcripts: 5 prime UTR variant (1).
Genome position (GRCh38, 1-based): chr11:77,142,719, T>C. VCF-style: chr11-77142719-T-C. GRCh37 (hg19) VCF-style: chr11-76853765-T-C.
Other names: c.29T>C, p.Val10Ala (NM_001127180.2); c.-5T>C (NM_001369365.1); short protein forms V10A.
Identifiers: ClinVar variation 242393 (VCV000242393.12), dbSNP rs878853237, ClinGen allele CA16616837.
Genomic context (GRCh38, chr11:77,142,719, plus strand): 5'-TCCAATCCCCCTCCCTGCTCACCTGGGCTGAGACTCTCTCTCGCCCATAGGGGGACCATG[T>C]GTGGATGGACCTGAGATTGGGGCAGGAGTTCGACGTGCCCATCGGGGCGGTGGTGAAGCT-3'
Protein context (NP_000251.3, residues 1-20): MVILQQGDH[Val10Ala]WMDLRLGQEF